The following is an entry in ClinVar:

ClinVar aggregate classification (germline): Uncertain significance (1 of 4 stars; one submission).

Conditions:
Nemaline myopathy 6 (NEM6). Also called: Nemaline myopathy 6, autosomal dominant. Identifiers: Orphanet 171439, MedGen C1836472, MONDO:0012237, OMIM 609273.

Submission:

Labcorp Genetics (formerly Invitae), Labcorp
Classification: Uncertain significance for Nemaline myopathy 6. Last evaluated: 2025-02-11. Review status: criteria provided, single submitter. Criteria: Invitae Variant Classification Sherloc (09022015). Collection method: clinical testing. Allele origin: germline.
Comment: This sequence change creates a premature translational stop signal (p.Ala86Profs*75) in the KBTBD13 gene. While this is not anticipated to result in nonsense mediated decay, it is expected to disrupt the last 373 amino acid(s) of the KBTBD13 protein. This variant is present in population databases (no rsID available, gnomAD 0.002%). This variant has not been reported in the literature in individuals affected with KBTBD13-related conditions. Experimental studies and prediction algorithms are not available or were not evaluated, and the functional significance of this variant is currently unknown. In summary, the available evidence is currently insufficient to determine the role of this variant in disease. Therefore, it has been classified as a Variant of Uncertain Significance.

NM_001101362.3(KBTBD13):c.255del (p.Ala86fs)

Gene: KBTBD13 (kelch repeat and BTB domain containing 13; plus strand). Cytogenetic location: 15q22.31.
Variant type: Deletion.
Coding change: c.255del on transcript NM_001101362.3 (MANE Select); coding-DNA position 255, one base deleted (C; older notation c.255delC).
Protein change: p.Ala86fs; shifts the reading frame from alanine 86.
Molecular consequence: frameshift variant.
Genome position (GRCh38, 1-based): chr15:65,077,070, C deleted; the last of 2 consecutive C bases (chr15:65,077,069-65,077,070); deleting either gives the same sequence. VCF-style (leftmost placement, unchanged base first): chr15-65077068-GC-G. GRCh37 (hg19) VCF-style: chr15-65369406-GC-G.
Other names: short protein forms A86fs.
Identifiers: ClinVar variation 4692104 (VCV004692104.1).
Genomic context (GRCh38, chr15:65,077,068, plus strand): 5'-CTGCGCGGCGACCGGCCGGCGCTGGCGGCGGAGGACGAGCTGCTGCAGGCCGTGGAGTGC[GC>G]CGCCTTCCTCCAGGCGCCGGCGCTGGCTCGCTTTCTGGAGCACAACCTCACGTCGGACAA-3'